The following is an entry in ClinVar:

NM_002148.4(HOXD10):c.*279G>A

Gene: HOXD10 (homeobox D10; plus strand). Cytogenetic location: 2q31.1.
Variant type: single nucleotide variant.
Coding change: c.*279G>A on transcript NM_002148.4 (MANE Select); 279 bases downstream of the stop codon, G replaced by A.
Molecular consequence: 3 prime UTR variant.
Genome position (GRCh38, 1-based): chr2:176,119,510, G>A. VCF-style: chr2-176119510-G-A. GRCh37 (hg19) VCF-style: chr2-176984238-G-A.
Identifiers: ClinVar variation 332504 (VCV000332504.5), dbSNP rs150556295, ClinGen allele CA10611451.

ClinVar aggregate classification (germline): Benign (1 of 4 stars; one submission).

Conditions:
Congenital vertical talus. Also called: PES VALGUS, CONGENITAL CONVEX; Rocker-bottom foot deformity. Identifiers: Orphanet 178382, MedGen C0240912, MONDO:0008652, OMIM 192950, HP:0001838.

Allele frequency attached by ClinVar (database versions not stated): gnomAD exomes 0.00018; 1000 Genomes Project 0.00339; 1000 Genomes Project 30x 0.00344; gnomAD 0.00405 and 0.00437.
gnomAD v4.1: 530 of 138,226 alleles (0.38%); highest among the groups gnomAD compares: African/African-American, 1.5%; 2 homozygotes.

Submission:

Illumina Laboratory Services, Illumina
Classification: Benign for Congenital vertical talus. Last evaluated: 2018-01-12. Review status: criteria provided, single submitter. Criteria: ICSL Variant Classification Criteria 13 December 2019. Collection method: clinical testing. Allele origin: germline.
Comment: This variant was observed in the ICSL laboratory as part of a predisposition screen in an ostensibly healthy population. It had not been previously curated by ICSL or reported in the Human Gene Mutation Database (HGMD: prior to June 1st, 2018), and was therefore a candidate for classification through an automated scoring system. Utilizing variant allele frequency, disease prevalence and penetrance estimates, and inheritance mode, an automated score was calculated to assess if this variant is too frequent to cause the disease. Based on the score and internal cut-off values, a variant classified as benign is not then subjected to further curation. The score for this variant resulted in a classification of benign for this disease.